The following is an entry in ClinVar:

NM_014639.4(SKIC3):c.3342-3C>T

Gene: SKIC3 (SKI3 subunit of superkiller complex; minus strand). Cytogenetic location: 5q15.
Variant type: single nucleotide variant.
Coding change: c.3342-3C>T on transcript NM_014639.4 (MANE Select); 3 bases into the intron before coding-DNA position 3342, C replaced by T.
Molecular consequence: intron variant.
Genome position (GRCh38, 1-based): chr5:95,498,594, G>A on the plus strand (C>T on the coding strand, the complement: SKIC3 is on the minus strand). VCF-style: chr5-95498594-G-A. GRCh37 (hg19) VCF-style: chr5-94834298-G-A.
Identifiers: ClinVar variation 1966527 (VCV001966527.2), dbSNP rs1746802129, ClinGen allele CA1078978630.

ClinVar aggregate classification (germline): Uncertain significance (1 of 4 stars; one submission).

Allele frequency attached by ClinVar (database versions not stated): gnomAD exomes below 0.00001; gnomAD 0.00001.
gnomAD v4.1: 3 of 1,602,080 alleles (0.00019%); highest among the groups gnomAD compares: Admixed American, 0.0017%; no homozygotes.

Submission:

Labcorp Genetics (formerly Invitae), Labcorp
Classification: Uncertain significance. Last evaluated: 2022-07-20. Review status: criteria provided, single submitter. Criteria: Invitae Variant Classification Sherloc (09022015). Collection method: clinical testing. Allele origin: germline.
Comment: This sequence change falls in intron 32 of the TTC37 gene. It does not directly change the encoded amino acid sequence of the TTC37 protein. It affects a nucleotide within the consensus splice site. This variant is not present in population databases (gnomAD no frequency). This variant has not been reported in the literature in individuals affected with TTC37-related conditions. Variants that disrupt the consensus splice site are a relatively common cause of aberrant splicing (PMID: 17576681, 9536098). Algorithms developed to predict the effect of sequence changes on RNA splicing suggest that this variant is not likely to affect RNA splicing. In summary, the available evidence is currently insufficient to determine the role of this variant in disease. Therefore, it has been classified as a Variant of Uncertain Significance.

Literature cited by the submitters: PubMed 17576681; PubMed 9536098.